The following is an entry in ClinVar:

NM_005027.4(PIK3R2):c.2120C>T (p.Ala707Val)

Gene: PIK3R2 (phosphoinositide-3-kinase regulatory subunit 2; plus strand). Cytogenetic location: 19p13.11.
Variant type: single nucleotide variant.
Coding change: c.2120C>T on transcript NM_005027.4 (MANE Select); coding-DNA position 2120, C replaced by T.
Protein change: p.Ala707Val; replaces alanine 707 with valine.
Molecular consequence: missense variant. On other transcripts: non-coding transcript variant (2).
Genome position (GRCh38, 1-based): chr19:18,169,227, C>T. VCF-style: chr19-18169227-C-T. GRCh37 (hg19) VCF-style: chr19-18280037-C-T.
Other names: short protein forms A707V.
Identifiers: ClinVar variation 1486430 (VCV001486430.9), dbSNP rs772782368, ClinGen allele CA9307255.

ClinVar aggregate classification (germline): Uncertain significance. Review status: criteria provided, multiple submitters, no conflicts (2 of 4 stars). 2 submissions from 2 submitters: Uncertain significance (2). Last evaluated 2024-07-01.

Conditions:
Megalencephaly-polymicrogyria-postaxial polydactyly-hydrocephalus syndrome. Also called: MEG-PMG-MEGACC SYNDROME; MPPH Syndrome. Identifiers: Orphanet 83473, MedGen C1863924, MONDO:0019375.
Megalencephaly-polymicrogyria-polydactyly-hydrocephalus syndrome 1 (MPPH1). Also called: MEGALENCEPHALY, MEGA CORPUS CALLOSUM, AND COMPLETE LACK OF MOTOR DEVELOPMENT; MEGALENCEPHALY, POLYMICROGYRIA, MEGA CORPUS CALLOSUM SYNDROME. Identifiers: Orphanet 83473, MedGen C4012727, MONDO:0011313, OMIM 603387.

Allele frequency attached by ClinVar (database versions not stated): gnomAD 0.00001; gnomAD exomes 0.00001 and 0.00003; ExAC 0.00002.

Submissions (2):

Labcorp Genetics (formerly Invitae), Labcorp
Classification: Uncertain significance for Megalencephaly-polymicrogyria-postaxial polydactyly-hydrocephalus syndrome. Last evaluated: 2024-07-01. Review status: criteria provided, single submitter. Criteria: Invitae Variant Classification Sherloc (09022015). Collection method: clinical testing. Allele origin: germline.
Comment: This sequence change replaces alanine, which is neutral and non-polar, with valine, which is neutral and non-polar, at codon 707 of the PIK3R2 protein (p.Ala707Val). This variant is present in population databases (rs772782368, gnomAD 0.02%). This variant has not been reported in the literature in individuals affected with PIK3R2-related conditions. ClinVar contains an entry for this variant (Variation ID: 1486430). Advanced modeling of protein sequence and biophysical properties (such as structural, functional, and spatial information, amino acid conservation, physicochemical variation, residue mobility, and thermodynamic stability) performed at Invitae indicates that this missense variant is not expected to disrupt PIK3R2 protein function with a negative predictive value of 80%. In summary, the available evidence is currently insufficient to determine the role of this variant in disease. Therefore, it has been classified as a Variant of Uncertain Significance.

Fulgent Genetics
Classification: Uncertain significance for Megalencephaly-polymicrogyria-polydactyly-hydrocephalus syndrome 1. Last evaluated: 2021-11-11. Review status: criteria provided, single submitter. Criteria: ACMG Guidelines, 2015. Collection method: clinical testing. Allele origin: unknown.